The following is an entry in ClinVar:

ClinVar aggregate classification (germline): Pathogenic/Likely pathogenic. Review status: criteria provided, multiple submitters, no conflicts (2 of 4 stars). 2 submissions from 2 submitters: Pathogenic (1); Likely pathogenic (1). Last evaluated 2024-01-04.

Conditions:
Aspartylglucosaminuria (AGU). Also called: AGA DEFICIENCY; Aspartylglucos-aminuria; Aspartylglucos-amidase (AGA) deficiency; GLYCOASPARAGINASE; GLYCOSYLASPARAGINASE DEFICIENCY. Identifiers: Orphanet 93, MedGen C0268225, MONDO:0008830, OMIM 208400, HP:0012068.

Submissions (2):

Labcorp Genetics (formerly Invitae), Labcorp
Classification: Pathogenic for Aspartylglucosaminuria. Last evaluated: 2024-01-04. Review status: criteria provided, single submitter. Criteria: Invitae Variant Classification Sherloc (09022015). Collection method: clinical testing. Allele origin: germline.
Comment: This sequence change creates a premature translational stop signal (p.Leu126Phefs*18) in the AGA gene. It is expected to result in an absent or disrupted protein product. Loss-of-function variants in AGA are known to be pathogenic (PMID: 7627186, 11309371). This variant is present in population databases (no rsID available, gnomAD 0.006%). This variant has not been reported in the literature in individuals affected with AGA-related conditions. ClinVar contains an entry for this variant (Variation ID: 835213). For these reasons, this variant has been classified as Pathogenic.

Baylor Genetics
Classification: Likely pathogenic for Aspartylglucosaminuria. Last evaluated: 2023-11-10. Review status: criteria provided, single submitter. Criteria: ACMG Guidelines, 2015. Collection method: clinical testing. Allele origin: unknown.

Literature cited by the submitters: PubMed 7627186 (cited by Labcorp Genetics (formerly Invitae), Labcorp); PubMed 11309371 (cited by Labcorp Genetics (formerly Invitae), Labcorp).

NM_000027.4(AGA):c.375_376del (p.Leu126fs)

Gene: AGA (aspartylglucosaminidase; minus strand). Cytogenetic location: 4q34.3.
Variant type: Microsatellite.
Coding change: c.375_376del on transcript NM_000027.4 (MANE Select); coding-DNA positions 375 to 376, 2 bases deleted (AC; older notation c.375_376delAC).
Protein change: p.Leu126fs; shifts the reading frame from leucine 126.
Molecular consequence: frameshift variant. On other transcripts: non-coding transcript variant (1).
Genome position (GRCh38, 1-based): chr4:177,439,594-177,439,595, GT deleted on the plus strand (AC on the coding strand, the reverse complement: AGA is on the minus strand); deleting any 2 consecutive bases within chr4:177,439,594-177,439,603 gives the same sequence; the c. name uses the placement nearest the transcript's 3' end. VCF-style (leftmost placement, unchanged base first): chr4-177439593-AGT-A. GRCh37 (hg19) VCF-style: chr4-178360747-AGT-A.
Other names: c.375_376del, p.Leu126fs (NM_001171988.2); short protein forms L126fs.
Identifiers: ClinVar variation 835213 (VCV000835213.9), dbSNP rs386833425, ClinGen allele CA110790208.